The following is an entry in ClinVar:

ClinVar aggregate classification (germline): Likely pathogenic (1 of 4 stars; one submission).

Conditions:
Familial thoracic aortic aneurysm and aortic dissection (TAAD). Also called: Thoracic aortic aneurysms and dissections. Identifiers: Orphanet 91387, MedGen C4707243, MONDO:0019625.
Marfan syndrome (MFS). Also called: FBN1-Related Marfan Syndrome; Marfan syndrome type 1; Marfan's syndrome; Marfan syndrome, classic; MARFAN SYNDROME, TYPE I. Identifiers: Orphanet 284963, Orphanet 558, MedGen C0024796, MONDO:0007947, OMIM 154700.

Submission:

Labcorp Genetics (formerly Invitae), Labcorp
Classification: Likely pathogenic for Marfan syndrome; Familial thoracic aortic aneurysm and aortic dissection. Last evaluated: 2018-01-09. Review status: criteria provided, single submitter. Criteria: Invitae Variant Classification Sherloc (09022015). Collection method: clinical testing. Allele origin: germline.
Comment: This sequence change affects a donor splice site in intron 45 of the FBN1 gene. It is expected to disrupt RNA splicing and likely results in an absent or disrupted protein product. This variant is not present in population databases (ExAC no frequency). This variant has not been reported in the literature in individuals with FBN1-related disease. Donor and acceptor splice site variants typically lead to a loss of protein function (PMID: 16199547), and loss-of-function variants in FBN1 are known to be pathogenic (PMID: 17657824, 19293843). In summary, the currently available evidence indicates that the variant is pathogenic, but additional data are needed to prove that conclusively. Therefore, this variant has been classified as Likely Pathogenic.

Literature cited by the submitters: PubMed 16199547; PubMed 17657824; PubMed 19293843.

NM_000138.5(FBN1):c.5545+1del

Gene: FBN1 (fibrillin 1; minus strand). Cytogenetic location: 15q21.1.
Variant type: Deletion.
Coding change: c.5545+1del on transcript NM_000138.5 (MANE Select); the canonical splice donor site of the intron after coding-DNA position 5545, one base deleted (G; older notation c.5545+1delG).
Molecular consequence: splice donor variant.
Genome position (GRCh38, 1-based): chr15:48,452,561, C deleted on the plus strand (G on the coding strand, the reverse complement: FBN1 is on the minus strand); the first of 2 consecutive C bases (chr15:48,452,561-48,452,562); deleting either gives the same sequence. VCF-style (leftmost placement, unchanged base first): chr15-48452560-AC-A. GRCh37 (hg19) VCF-style: chr15-48744757-AC-A.
Other names: c.5545+1delG (NM_000138.4); c.5545+1del (NM_001406716.1).
Identifiers: ClinVar variation 575467 (VCV000575467.2), dbSNP rs1566900469, ClinGen allele CA891844492.